The following is an entry in ClinVar:

ClinVar aggregate classification (germline): Uncertain significance (1 of 4 stars; one submission).

Conditions:
Cardiovascular phenotype. Identifiers: MedGen CN230736.

Submission:

Ambry Genetics
Classification: Uncertain significance for Cardiovascular phenotype. Last evaluated: 2025-05-03. Review status: criteria provided, single submitter. Criteria: Ambry Variant Classification Scheme 2023. Collection method: clinical testing. Allele origin: germline.
Comment: The p.I472M variant (also known as c.1416T>G), located in coding exon 12 of the PTPN11 gene, results from a T to G substitution at nucleotide position 1416. The isoleucine at codon 472 is replaced by methionine, an amino acid with highly similar properties. This amino acid position is conserved. In addition, the in silico prediction for this alteration is inconclusive. Based on the available evidence, the clinical significance of this variant remains unclear.

NM_002834.5(PTPN11):c.1416T>G (p.Ile472Met)

Gene: PTPN11 (protein tyrosine phosphatase non-receptor type 11; plus strand). Cytogenetic location: 12q24.13.
Variant type: single nucleotide variant.
Coding change: c.1416T>G on transcript NM_002834.5 (MANE Select); coding-DNA position 1416, T replaced by G.
Protein change: p.Ile472Met; replaces isoleucine 472 with methionine.
Molecular consequence: missense variant.
Genome position (GRCh38, 1-based): chr12:112,488,479, T>G. VCF-style: chr12-112488479-T-G. GRCh37 (hg19) VCF-style: chr12-112926283-T-G.
Other names: c.1428T>G, p.Ile476Met (NM_001330437.2); c.1413T>G, p.Ile471Met (NM_001374625.1); short protein forms I472M, I471M, I476M.
Identifiers: ClinVar variation 3940414 (VCV003940414.1).